The following is an entry in ClinVar:

ClinVar aggregate classification (germline): Conflicting classifications of pathogenicity. Review status: criteria provided, conflicting classifications (1 of 4 stars). 5 submissions from 4 submitters: Uncertain significance (2); Likely benign (3). Last evaluated 2026-01-25.

Conditions:
Dystonia 12 (DYT12). Also called: Rapid-Onset Dystonia-Parkinsonism (RDP); DYT-ATP1A3. Identifiers: Orphanet 71517, MedGen C1868681, MONDO:0007496, OMIM 128235.
Alternating hemiplegia of childhood 2 (AHC2). Also called: Alternating Hemiplegia of Childhood (AHC). Identifiers: Orphanet 2131, MedGen C3553788, MONDO:0013900, OMIM 614820.
ATP1A3-related disorder. Also called: ATP1A3-related disorders; ATP1A3-related condition. Identifiers: MedGen CN381097.

Allele frequency attached by ClinVar (database versions not stated): gnomAD 0.00005; TOPMed 0.00006; ExAC 0.00007; ESP Exome Variant Server 0.00008.
gnomAD v4.1: 146 of 1,614,072 alleles (0.009%); highest among the groups gnomAD compares: Non-Finnish European, 0.012%; no homozygotes.

Submissions (5):

Labcorp Genetics (formerly Invitae), Labcorp
Classification: Uncertain significance for Dystonia 12. Last evaluated: 2026-01-25. Review status: criteria provided, single submitter. Criteria: Invitae Variant Classification Sherloc (09022015). Collection method: clinical testing. Allele origin: germline.
Comment: This sequence change replaces valine, which is neutral and non-polar, with isoleucine, which is neutral and non-polar, at codon 642 of the ATP1A3 protein (p.Val642Ile). This variant is present in population databases (rs201391210, gnomAD 0.008%). This variant has not been reported in the literature in individuals affected with ATP1A3-related conditions. ClinVar contains an entry for this variant (Variation ID: 329410). Invitae Evidence Modeling of protein sequence and biophysical properties (such as structural, functional, and spatial information, amino acid conservation, physicochemical variation, residue mobility, and thermodynamic stability) has been performed for this missense variant. However, the output from this modeling did not meet the statistical confidence thresholds required to predict the impact of this variant on ATP1A3 protein function. In summary, the available evidence is currently insufficient to determine the role of this variant in disease. Therefore, it has been classified as a Variant of Uncertain Significance.

Blueprint Genetics
Classification: Likely benign. Last evaluated: 2023-10-05. Review status: criteria provided, single submitter. Criteria: ACMG Guidelines, 2015. Collection method: clinical testing. Allele origin: germline.

PreventionGenetics, part of Exact Sciences
Classification: Uncertain significance for ATP1A3-related condition. Last evaluated: 2022-10-19. Review status: criteria provided, single submitter. Criteria: ACMG Guidelines, 2015. Collection method: clinical testing. Allele origin: germline.
Comment: The ATP1A3 c.1963G>A variant is predicted to result in the amino acid substitution p.Val655Ile. To our knowledge, this variant has not been reported in the literature. This variant is reported in 0.0085% of alleles in individuals of European (Non-Finnish) descent in gnomAD. At this time, the clinical significance of this variant is uncertain due to the absence of conclusive functional and genetic evidence.

Illumina Laboratory Services, Illumina
Classification: Likely benign for Alternating hemiplegia of childhood 2. Last evaluated: 2018-01-12. Review status: criteria provided, single submitter. Criteria: ICSL Variant Classification Criteria 13 December 2019. Collection method: clinical testing. Allele origin: germline.
Comment: This variant was observed in the ICSL laboratory as part of a predisposition screen in an ostensibly healthy population. It had not been previously curated by ICSL or reported in the Human Gene Mutation Database (HGMD: prior to June 1st, 2018), and was therefore a candidate for classification through an automated scoring system. Utilizing variant allele frequency, disease prevalence and penetrance estimates, and inheritance mode, an automated score was calculated to assess if this variant is too frequent to cause the disease. Based on the score and internal cut-off values, a variant classified as likely benign is not then subjected to further curation. The score for this variant resulted in a classification of likely benign for this disease.

Illumina Laboratory Services, Illumina
Classification: Likely benign for Dystonia 12. Last evaluated: 2018-01-12. Review status: criteria provided, single submitter. Criteria: ICSL Variant Classification Criteria 13 December 2019. Collection method: clinical testing. Allele origin: germline.
Comment: the same text as in the submission from Illumina Laboratory Services, Illumina above.

NM_152296.5(ATP1A3):c.1924G>A (p.Val642Ile)

Gene: ATP1A3 (ATPase Na+/K+ transporting subunit alpha 3; minus strand). Cytogenetic location: 19q13.2.
Variant type: single nucleotide variant.
Coding change: c.1924G>A on transcript NM_152296.5 (MANE Select); coding-DNA position 1924, G replaced by A.
Protein change: p.Val642Ile; replaces valine 642 with isoleucine.
Molecular consequence: missense variant.
Genome position (GRCh38, 1-based): chr19:41,977,955, C>T on the plus strand (G>A on the coding strand, the complement: ATP1A3 is on the minus strand). VCF-style: chr19-41977955-C-T. GRCh37 (hg19) VCF-style: chr19-42482107-C-T.
Other names: c.1957G>A, p.Val653Ile (NM_001256213.2); c.1963G>A, p.Val655Ile (NM_001256214.2); c.1963G>A (NM_001256214.1); short protein forms V642I, V653I, V655I.
Identifiers: ClinVar variation 329410 (VCV000329410.15), dbSNP rs201391210, ClinGen allele CA9467537.